The following is an entry in ClinVar:

NM_004385.5(VCAN):c.*1429A>G

Gene: VCAN (versican; plus strand). Cytogenetic location: 5q14.3.
Variant type: single nucleotide variant.
Coding change: c.*1429A>G on transcript NM_004385.5 (MANE Select); 1429 bases downstream of the stop codon, A replaced by G.
Molecular consequence: 3 prime UTR variant.
Genome position (GRCh38, 1-based): chr5:83,581,863, A>G. VCF-style: chr5-83581863-A-G. GRCh37 (hg19) VCF-style: chr5-82877682-A-G.
Other names: c.*1429A>G (NM_001126336.3, NM_001164097.2, NM_001164098.2).
Identifiers: ClinVar variation 354492 (VCV000354492.6), dbSNP rs11726, ClinGen allele CA10625334.

ClinVar aggregate classification (germline): Benign (1 of 4 stars; one submission).

Conditions:
Vitreoretinopathy. Also called: Vitreoretinal degeneration. Identifiers: MedGen C0344290, MONDO:0020248, HP:0007773.

Allele frequency attached by ClinVar (database versions not stated): gnomAD 0.54953 and 0.55085; TOPMed 0.56048; 1000 Genomes Project 30x 0.56558; 1000 Genomes Project 0.56889.

Submission:

Illumina Laboratory Services, Illumina
Classification: Benign for Vitreoretinopathy. Last evaluated: 2018-01-12. Review status: criteria provided, single submitter. Criteria: ICSL Variant Classification Criteria 13 December 2019. Collection method: clinical testing. Allele origin: germline.
Comment: This variant was observed in the ICSL laboratory as part of a predisposition screen in an ostensibly healthy population. It had not been previously curated by ICSL or reported in the Human Gene Mutation Database (HGMD: prior to June 1st, 2018), and was therefore a candidate for classification through an automated scoring system. Utilizing variant allele frequency, disease prevalence and penetrance estimates, and inheritance mode, an automated score was calculated to assess if this variant is too frequent to cause the disease. Based on the score and internal cut-off values, a variant classified as benign is not then subjected to further curation. The score for this variant resulted in a classification of benign for this disease.